The following is an entry in ClinVar:

ClinVar aggregate classification (germline): Pathogenic (1 of 4 stars; one submission).

Conditions:
Alagille syndrome due to a JAG1 point mutation. Also called: HEPATIC DUCTULAR HYPOPLASIA, SYNDROMATIC; Alagille Syndrome 1; JAG1-Related Alagille Syndrome. Identifiers: Orphanet 261619, Orphanet 52, MedGen C1956125, MONDO:0016862, OMIM 118450.

Submission:

Labcorp Genetics (formerly Invitae), Labcorp
Classification: Pathogenic for Alagille syndrome due to a JAG1 point mutation. Last evaluated: 2019-08-08. Review status: criteria provided, single submitter. Criteria: Invitae Variant Classification Sherloc (09022015). Collection method: clinical testing. Allele origin: germline.
Comment: For these reasons, this variant has been classified as Pathogenic. Loss-of-function variants in JAG1 are known to be pathogenic (PMID: 11180599). This variant has not been reported in the literature in individuals with JAG1-related conditions. This variant is not present in population databases (ExAC no frequency). This sequence change creates a premature translational stop signal (p.Glu137Glyfs*25) in the JAG1 gene. It is expected to result in an absent or disrupted protein product.

Literature cited by the submitters: PubMed 11180599.

NM_000214.3(JAG1):c.408_409dup (p.Glu137fs)

Gene: JAG1 (jagged canonical Notch ligand 1; minus strand). Cytogenetic location: 20p12.2.
Variant type: Duplication.
Coding change: c.408_409dup on transcript NM_000214.3 (MANE Select); coding-DNA positions 408 to 409, 2 bases duplicated (GG; older notation c.408_409dupGG).
Protein change: p.Glu137fs; shifts the reading frame from glutamic acid 137.
Molecular consequence: frameshift variant.
Genome position (GRCh38, 1-based): chr20:10,663,993-10,663,994, CC duplicated on the plus strand (GG on the coding strand, the reverse complement: JAG1 is on the minus strand). VCF-style (leftmost placement, unchanged base first): chr20-10663992-T-TCC. GRCh37 (hg19) VCF-style: chr20-10644640-T-TCC.
Other names: short protein forms E137fs.
Identifiers: ClinVar variation 951202 (VCV000951202.9), dbSNP rs2067434779, ClinGen allele CA1139665907.